The following is an entry in ClinVar:

NM_002294.3(LAMP2):c.128_129dup (p.Ala44fs)

Gene: LAMP2 (lysosome associated membrane protein 2; minus strand). Cytogenetic location: Xq24.
Variant type: Duplication.
Coding change: c.128_129dup on transcript NM_002294.3 (MANE Select); coding-DNA positions 128 to 129, 2 bases duplicated (AT; older notation c.128_129dupAT).
Protein change: p.Ala44fs; shifts the reading frame from alanine 44.
Molecular consequence: frameshift variant.
Genome position (GRCh38, 1-based): chrX:120,456,705-120,456,706, AT duplicated on the plus strand (AT on the coding strand, the reverse complement: LAMP2 is on the minus strand); duplicating any 2 consecutive bases within chrX:120,456,705-120,456,707 gives the same sequence; the c. name uses the placement nearest the transcript's 3' end. VCF-style (leftmost placement, unchanged base first): chrX-120456704-C-CAT. GRCh37 (hg19) VCF-style: chrX-119590559-C-CAT.
Other names: p.Ala44MetfsX6; c.128_129dupAT (NM_002294.2); c.128_129dup, p.Ala44fs (NM_001122606.1, NM_013995.2); short protein forms A44fs.
Identifiers: ClinVar variation 177994 (VCV000177994.5), dbSNP rs730880344, ClinGen allele CA181135.

ClinVar aggregate classification (germline): Pathogenic/Likely pathogenic. Review status: criteria provided, multiple submitters, no conflicts (2 of 4 stars). 2 submissions from 2 submitters: Pathogenic (1); Likely pathogenic (1). Last evaluated 2026-02-18.

Conditions:
Hypertrophic cardiomyopathy. Also called: HYPERTROPHIC MYOCARDIOPATHY. Identifiers: Orphanet 217569, MedGen C0007194, MeSH D002312, MONDO:0005045, HP:0001639.
Danon disease. Also called: PSEUDOGLYCOGENOSIS II; GSD IIb; LYSOSOMAL GLYCOGEN STORAGE DISEASE WITHOUT ACID MALTASE DEFICIENCY; ANTOPOL DISEASE; Glycogen Storage Disease Type IIb. Identifiers: Orphanet 34587, MedGen C0878677, MONDO:0010281, OMIM 300257.
Cardiovascular phenotype. Identifiers: MedGen CN230736.

Submissions (2):

Ambry Genetics
Classification: Pathogenic for Cardiovascular phenotype. Last evaluated: 2026-02-18. Review status: criteria provided, single submitter. Criteria: Ambry Variant Classification Scheme 2023. Collection method: clinical testing. Allele origin: germline.
Comment: The c.128_129dupAT pathogenic mutation, located in coding exon 2 of the LAMP2 gene, results from a duplication of AT at nucleotide position 128, causing a translational frameshift with a predicted alternate stop codon (p.A44Mfs*6). This variant was reported in individual(s) with features consistent with hypertrophic cardiomyopathy (HCM) (Alfares AA et al. Genet Med, 2015 Nov;17:880-8; Walsh R et al. Genet Med, 2017 Feb;19:192-203). This variant is considered to be rare based on population cohorts in the Genome Aggregation Database (gnomAD). This alteration is expected to result in loss of function by premature protein truncation or nonsense-mediated mRNA decay. As such, this alteration is interpreted as a disease-causing mutation.

Laboratory for Molecular Medicine, Mass General Brigham Personalized Medicine
Classification: Likely pathogenic for Hypertrophic cardiomyopathy; Danon disease. Last evaluated: 2012-02-23. Review status: criteria provided, single submitter. Criteria: LMM Criteria. Collection method: clinical testing. Allele origin: germline. Observed: 1 variant allele.
Comment: The Ala44fs variant in LAMP2 has not been previously reported in the literature or identified by our laboratory. The Ala44fs variant in LAMP2 is predicted to ca use a frameshift, which alters the protein's amino acid sequence beginning at co don 44 and leads to a premature stop codon six amino acids downstream. This alt eration is then predicted to lead to a truncated or absent protein. Loss of fun ction is an established mechanism of disease for the LAMP2 gene, which makes it highly likely that the Ala44fs variant is pathogenic. Pathogenic variants in LAM P2 have been associated with Danon disease.

Literature cited by the submitters: PubMed 25611685 (cited by Ambry Genetics); PubMed 27532257 (cited by Ambry Genetics).